The following is an entry in ClinVar:

ClinVar aggregate classification (germline): Benign. Review status: criteria provided, multiple submitters, no conflicts (2 of 4 stars). 5 submissions from 5 submitters: Benign (4). 1 of the submissions does not count toward it. Last evaluated 2026-02-03.

Conditions:
Epidermolysis bullosa simplex 5C, with pyloric atresia (EBS5C). Also called: PLEC-Related Epidermolysis Bullosa with Pyloric Atresia; Epidermolysis bullosa simplex with pyloric atresia; PLEC1-Related Epidermolysis Bullosa with Pyloric Atresia. Identifiers: Orphanet 158684, MedGen C2677349, MONDO:0012807, OMIM 612138.
Autosomal recessive limb-girdle muscular dystrophy type 2Q (LGMDR17). Also called: MUSCULAR DYSTROPHY, LIMB-GIRDLE, AUTOSOMAL RECESSIVE 17. Identifiers: Orphanet 254361, MedGen C3150989, MONDO:0013390, OMIM 613723.
Epidermolysis bullosa simplex with nail dystrophy (EBS5D). Identifiers: MedGen C4225309, MONDO:0014661, OMIM 616487.
Epidermolysis bullosa simplex 5B, with muscular dystrophy (EBS5B). Also called: Epidermolysis bullosa simplex with muscular dystrophy; EPIDERMOLYSIS BULLOSA SIMPLEX AND LIMB-GIRDLE MUSCULAR DYSTROPHY. Identifiers: Orphanet 257, MedGen C2931072, MONDO:0009181, OMIM 226670.
Epidermolysis bullosa simplex, Ogna type (EBS5A). Also called: Pidermolysis bullosa simplex 5A, Ogna type; EPIDERMOLYSIS BULLOSA SIMPLEX 5A, OGNA TYPE. Identifiers: Orphanet 79401, MedGen C0432317, MONDO:0007555, OMIM 131950.

Allele frequency attached by ClinVar (database versions not stated): gnomAD exomes 0.00326 and 0.00840; ExAC 0.01079; gnomAD 0.03410 and 0.03658; 1000 Genomes Project 0.03694; TOPMed 0.03826; ESP Exome Variant Server 0.03902; 1000 Genomes Project 30x 0.04060.
gnomAD v4.1: 10,105 of 1,612,960 alleles (0.63%); highest among the groups gnomAD compares: African/African-American, 12%; 589 homozygotes.

Submissions (5):

Labcorp Genetics (formerly Invitae), Labcorp
Classification: Benign for Autosomal recessive limb-girdle muscular dystrophy type 2Q; Epidermolysis bullosa simplex, Ogna type; Epidermolysis bullosa simplex with nail dystrophy; Epidermolysis bullosa simplex 5C, with pyloric atresia; Epidermolysis bullosa simplex 5B, with muscular dystrophy. Last evaluated: 2026-02-03. Review status: criteria provided, single submitter. Criteria: Invitae Variant Classification Sherloc (09022015). Collection method: clinical testing. Allele origin: germline.

Mayo Clinic Laboratories, Mayo Clinic
Classification: Benign. Last evaluated: 2018-02-19. Review status: criteria provided, single submitter. Criteria: ACMG Guidelines, 2015. Collection method: clinical testing. Allele origin: germline. Observed: 43 variant alleles.

GeneDx
Classification: Benign. Last evaluated: 2016-03-24. Review status: criteria provided, single submitter. Criteria: GeneDx Variant Classification (06012015). Collection method: clinical testing. Allele origin: germline. Affected: yes.
Comment: This variant is considered likely benign or benign based on one or more of the following criteria: it is a conservative change, it occurs at a poorly conserved position in the protein, it is predicted to be benign by multiple in silico algorithms, and/or has population frequency not consistent with disease.

Breakthrough Genomics
Classification: Benign. Review status: criteria provided, single submitter. Criteria: ACMG Guidelines, 2015. Collection method: not provided. Allele origin: germline. Inheritance: Autosomal recessive inheritance. Affected: yes.

Genetic Services Laboratory, University of Chicago
Classification: Likely benign for AllHighlyPenetrant. Review status: no assertion criteria provided. Collection method: clinical testing. Allele origin: germline. Inheritance: Autosomal recessive inheritance. Not counted in ClinVar's aggregate classification.
Comment: Likely benign based on allele frequency in 1000 Genomes Project or ESP global frequency and its presence in a patient with a rare or unrelated disease phenotype. NOT Sanger confirmed.

NM_201384.3(PLEC):c.11913G>A (p.Ala3971=)

Gene: PLEC (plectin; minus strand). Cytogenetic location: 8q24.3.
Variant type: single nucleotide variant.
Coding change: c.11913G>A on transcript NM_201384.3 (MANE Select); coding-DNA position 11913, G replaced by A.
Protein change: p.Ala3971=; no amino-acid change (alanine 3971 retained).
Molecular consequence: synonymous variant.
Genome position (GRCh38, 1-based): chr8:143,917,908, C>T on the plus strand (G>A on the coding strand, the complement: PLEC is on the minus strand). VCF-style: chr8-143917908-C-T. GRCh37 (hg19) VCF-style: chr8-144992076-C-T.
Other names: p.Ala3957=; c.11994G>A, p.Ala3998= (NM_000445.5); c.11871G>A, p.Ala3957= (NM_201378.4); c.11847G>A, p.Ala3949= (NM_201379.3); c.12324G>A, p.Ala4108= (NM_201380.4); c.11817G>A, p.Ala3939= (NM_201381.3); c.11913G>A, p.Ala3971= (NM_201382.4); c.11925G>A, p.Ala3975= (NM_201383.3).
Identifiers: ClinVar variation 129929 (VCV000129929.17), dbSNP rs73715559, ClinGen allele CA154398.
Genomic context (GRCh38, chr8:143,917,908, plus strand): 5'-CACAGCCTCCTCCACCGTCAGCTTCAGTCCCTTGATGGGGTCGATGACGTAACCGGTGGC[C>T]GCCTGCGCCTCCAGGAGCTCAAAGGCTGTGCCGGGGCGGATGATGCCCTTCTTCATGGCC-3'
Protein context (NP_958786.1, residues 3961-3981): GTAFELLEAQ[Ala3971=]ATGYVIDPIK